The following is an entry in ClinVar:

NM_005186.4(CAPN1):c.1142C>T (p.Ala381Val)

Gene: CAPN1 (calpain 1; plus strand). Cytogenetic location: 11q13.1.
Variant type: single nucleotide variant.
Coding change: c.1142C>T on transcript NM_005186.4 (MANE Select); coding-DNA position 1142, C replaced by T.
Protein change: p.Ala381Val; replaces alanine 381 with valine.
Molecular consequence: missense variant. On other transcripts: non-coding transcript variant (1).
Genome position (GRCh38, 1-based): chr11:65,188,723, C>T. VCF-style: chr11-65188723-C-T. GRCh37 (hg19) VCF-style: chr11-64956194-C-T.
Other names: c.1142C>T, p.Ala381Val (NM_001198868.2, NM_001198869.2); short protein forms A381V.
Identifiers: ClinVar variation 3721061 (VCV003721061.2).

ClinVar aggregate classification (germline): Pathogenic (1 of 4 stars; one submission).

gnomAD v4.1: 14 of 1,583,080 alleles (0.00088%); highest among the groups gnomAD compares: East Asian, 0.0047%; no homozygotes.

Submission:

Labcorp Genetics (formerly Invitae), Labcorp
Classification: Pathogenic. Last evaluated: 2024-04-30. Review status: criteria provided, single submitter. Criteria: Invitae Variant Classification Sherloc (09022015). Collection method: clinical testing. Allele origin: germline.
Comment: This sequence change replaces alanine, which is neutral and non-polar, with valine, which is neutral and non-polar, at codon 381 of the CAPN1 protein (p.Ala381Val). This variant is present in population databases (no rsID available, gnomAD 0.01%). This missense change has been observed in individual(s) with CAPN1-related conditions (PMID: 27320912, 31104286; Invitae). In at least one individual the data is consistent with being in trans (on the opposite chromosome) from a pathogenic variant. Advanced modeling of protein sequence and biophysical properties (such as structural, functional, and spatial information, amino acid conservation, physicochemical variation, residue mobility, and thermodynamic stability) performed at Invitae indicates that this missense variant is expected to disrupt CAPN1 protein function with a positive predictive value of 80%. For these reasons, this variant has been classified as Pathogenic.

Literature cited by the submitters: PubMed 27320912; PubMed 31104286.